The following is an entry in ClinVar:

NM_000540.3(RYR1):c.10725_10726del (p.Tyr3576fs)

Gene: RYR1 (ryanodine receptor 1; plus strand). Cytogenetic location: 19q13.2.
Variant type: Deletion.
Coding change: c.10725_10726del on transcript NM_000540.3 (MANE Select); coding-DNA positions 10725 to 10726, 2 bases deleted (GT; older notation c.10725_10726delGT).
Protein change: p.Tyr3576fs; shifts the reading frame from tyrosine 3576.
Molecular consequence: frameshift variant.
Genome position (GRCh38, 1-based): chr19:38,527,685-38,527,686, GT deleted; deleting any 2 consecutive bases within chr19:38,527,684-38,527,686 gives the same sequence; the c. name uses the placement nearest the transcript's 3' end. VCF-style (leftmost placement, unchanged base first): chr19-38527683-CTG-C. GRCh37 (hg19) VCF-style: chr19-39018323-CTG-C.
Other names: c.10710_10711del, p.Tyr3571fs (NM_001042723.2); c.10725_10726delGT (NM_000540.2); short protein forms Y3571fs, Y3576fs.
Identifiers: ClinVar variation 436631 (VCV000436631.13), dbSNP rs1555790936, ClinGen allele CA645373266.
Genomic context (GRCh38, chr19:38,527,683, plus strand): 5'-GCCACTCCTTCTTCCTCCCTTCAGGTCGAAGGCTCCCCGTCTCTGCGCTGGCAGATGGCT[CTG>C]TACCGGGGCGTCCCGGGTCGCGAGGAGGACGCCGATGACCCCGAGAAAATCGTGCGCAGA-3'

ClinVar aggregate classification (germline): Pathogenic/Likely pathogenic. Review status: criteria provided, multiple submitters, no conflicts (2 of 4 stars). 3 submissions from 3 submitters: Pathogenic (2); Likely pathogenic (1). Last evaluated 2022-11-03.

Conditions:
RYR1-related disorder. Also called: RYR1-related condition; RYR1-related disorders. Identifiers: MedGen CN239331.

Submissions (3):

PreventionGenetics, part of Exact Sciences
Classification: Likely pathogenic for RYR1-related condition. Last evaluated: 2022-11-03. Review status: criteria provided, single submitter. Criteria: ACMG Guidelines, 2015. Collection method: clinical testing. Allele origin: germline.
Comment: The RYR1 c.10725_10726delGT variant is predicted to result in a frameshift and premature protein termination (p.Tyr3576Profs*12). To our knowledge, this variant has not been reported in the literature. This variant has not been reported in a large population database, indicating this variant is rare. Frameshift variants in RYR1 are expected to be pathogenic for autosomal recessive RYR1-related myopathies. This variant is interpreted as likely pathogenic for autosomal recessive RYR1-disorders. Of note, it is uncertain if this variant would be disease causing for autosomal dominant RYR1-disorders.

Labcorp Genetics (formerly Invitae), Labcorp
Classification: Pathogenic for RYR1-related disorder. Last evaluated: 2020-02-24. Review status: criteria provided, single submitter. Criteria: Invitae Variant Classification Sherloc (09022015). Collection method: clinical testing. Allele origin: germline.
Comment: This sequence change creates a premature translational stop signal (p.Tyr3576Profs*12) in the RYR1 gene. It is expected to result in an absent or disrupted protein product. For these reasons, this variant has been classified as Pathogenic. Loss-of-function variants in RYR1 are known to be pathogenic (PMID: 20583297, 20839240, 23919265, 28818389). This variant has not been reported in the literature in individuals with RYR1-related conditions. ClinVar contains an entry for this variant (Variation ID: 436631). This variant is not present in population databases (ExAC no frequency).

Genetic Services Laboratory, University of Chicago
Classification: Pathogenic. Last evaluated: 2017-05-30. Review status: criteria provided, single submitter. Criteria: ACMG Guidelines, 2015. Collection method: clinical testing. Allele origin: germline. Affected: yes.

Literature cited by the submitters: PubMed 20583297 (cited by Labcorp Genetics (formerly Invitae), Labcorp); PubMed 20839240 (cited by Labcorp Genetics (formerly Invitae), Labcorp); PubMed 23919265 (cited by Labcorp Genetics (formerly Invitae), Labcorp); PubMed 28818389 (cited by Labcorp Genetics (formerly Invitae), Labcorp).